The following is an entry in ClinVar:

ClinVar aggregate classification (germline): Conflicting classifications of pathogenicity. Review status: criteria provided, conflicting classifications (1 of 4 stars). 4 submissions from 4 submitters: Uncertain significance (3); Likely benign (1). Last evaluated 2025-09-17.

Conditions:
Desmoid disease, hereditary (DESMD). Also called: FIBROMATOSIS, FAMILIAL INFILTRATIVE. Identifiers: Orphanet 873, MedGen C1851124, OMIM 135290. Disease mechanism: loss of function.
Familial adenomatous polyposis 1 (FAP1). Also called: FAMILIAL ADENOMATOUS POLYPOSIS 1, ATTENUATED; POLYPOSIS, ADENOMATOUS INTESTINAL. Identifiers: MedGen C2713442, MONDO:0021056, OMIM 175100. Disease mechanism: loss of function.
Colorectal cancer. Also called: Colorectal cancer, somatic; Malignant Colorectal Neoplasm. Identifiers: MedGen C0346629, MONDO:0005575, OMIM 114500.
Gastric cancer. Also called: Stomach cancer; Malignant tumor of stomach. Identifiers: MedGen C0024623, MeSH D013274, MONDO:0001056, OMIM 613659, HP:0012126.
Hereditary cancer-predisposing syndrome. Also called: Hereditary neoplastic syndrome; Neoplastic Syndromes, Hereditary; Hereditary Cancer Syndrome; Tumor predisposition. Identifiers: Orphanet 140162, MedGen C0027672, MeSH D009386, MONDO:0015356.

Allele frequency attached by ClinVar (database versions not stated): gnomAD exomes below 0.00001; ExAC 0.00002; 1000 Genomes Project 30x 0.00016; 1000 Genomes Project 0.00020.

Submissions (4):

Color Diagnostics, LLC DBA Color Health
Classification: Likely benign for Hereditary cancer-predisposing syndrome. Last evaluated: 2025-09-17. Review status: criteria provided, single submitter. Criteria: ACMG Guidelines, 2015. Collection method: clinical testing. Allele origin: germline.

Ambry Genetics
Classification: Uncertain significance for Hereditary cancer-predisposing syndrome. Last evaluated: 2024-10-10. Review status: criteria provided, single submitter. Criteria: Ambry Variant Classification Scheme 2023. Collection method: clinical testing. Allele origin: germline.
Comment: The p.S2359A variant (also known as c.7075T>G), located in coding exon 15 of the APC gene, results from a T to G substitution at nucleotide position 7075. The serine at codon 2359 is replaced by alanine, an amino acid with similar properties. This amino acid position is highly conserved in available vertebrate species. In addition, in silico predictors for this gene do not accurately predict pathogenicity. Missense alterations in APC are not a common cause of disease (Spier I et al. Genet Med. 2024 Feb;26(2):100992). Based on the available evidence, the clinical significance of this variant remains unclear.

Department of Pathology and Laboratory Medicine, Sinai Health System
Classification: Uncertain significance for Colorectal cancer; Familial adenomatous polyposis 1; Desmoid disease, hereditary; Gastric cancer. Last evaluated: 2023-08-02. Review status: criteria provided, single submitter. Criteria: ACMG Guidelines, 2015. Collection method: clinical testing. Allele origin: germline. Affected: yes.

Labcorp Genetics (formerly Invitae), Labcorp
Classification: Uncertain significance for Familial adenomatous polyposis 1. Last evaluated: 2019-11-11. Review status: criteria provided, single submitter. Criteria: Invitae Variant Classification Sherloc (09022015). Collection method: clinical testing. Allele origin: germline.
Comment: In summary, the available evidence is currently insufficient to determine the role of this variant in disease. Therefore, it has been classified as a Variant of Uncertain Significance. Algorithms developed to predict the effect of missense changes on protein structure and function are either unavailable or do not agree on the potential impact of this missense change (SIFT: "Tolerated"; PolyPhen-2: "Probably Damaging"; Align-GVGD: "Class C0"). This variant has not been reported in the literature in individuals with APC-related conditions. This variant is present in population databases (rs532244792, ExAC 0.02%), including at least one homozygous and/or hemizygous individual. This sequence change replaces serine with alanine at codon 2359 of the APC protein (p.Ser2359Ala). The serine residue is highly conserved and there is a moderate physicochemical difference between serine and alanine.

NM_000038.6(APC):c.7075T>G (p.Ser2359Ala)

Gene: APC (APC regulator of Wnt signaling pathway; plus strand). Cytogenetic location: 5q22.2.
Variant type: single nucleotide variant.
Coding change: c.7075T>G on transcript NM_000038.6 (MANE Select); coding-DNA position 7075, T replaced by G.
Protein change: p.Ser2359Ala; replaces serine 2359 with alanine.
Molecular consequence: missense variant.
Genome position (GRCh38, 1-based): chr5:112,842,669, T>G. VCF-style: chr5-112842669-T-G. GRCh37 (hg19) VCF-style: chr5-112178366-T-G.
Other names: c.6226T>G, p.Ser2076Ala (NM_001354906.2); c.7075T>G, p.Ser2359Ala (NM_001127510.3, NM_001354895.2); c.7021T>G, p.Ser2341Ala (NM_001127511.3); c.7129T>G, p.Ser2377Ala (NM_001354896.2); c.7105T>G, p.Ser2369Ala (NM_001354897.2); c.7000T>G, p.Ser2334Ala (NM_001354898.2); c.6991T>G, p.Ser2331Ala (NM_001354899.2); c.6952T>G, p.Ser2318Ala (NM_001354900.2); and 5 more; short protein forms S2300A, S2334A, S2341A, S2076A, S2268A, S2318A, S2369A, S2377A.
Identifiers: ClinVar variation 958591 (VCV000958591.15), dbSNP rs532244792, ClinGen allele CA046787.
Genomic context (GRCh38, chr5:112,842,669, plus strand): 5'-CCTAACAAATTATCTCAACTTCCAAGGACATCATCCCCTAGTACTGCTTCAACTAAGTCC[T>G]CAGGTTCTGGAAAAATGTCATATACATCTCCAGGTAGACAGATGAGCCAACAGAACCTTA-3'
Protein context (NP_000029.2, residues 2349-2369): SSPSTASTKS[Ser2359Ala]GSGKMSYTSP